The following is an entry in ClinVar:

NM_016180.5(SLC45A2):c.551C>T (p.Ala184Val)

Gene: SLC45A2 (solute carrier family 45 member 2; minus strand). Cytogenetic location: 5p13.2.
Variant type: single nucleotide variant.
Coding change: c.551C>T on transcript NM_016180.5 (MANE Select); coding-DNA position 551, C replaced by T.
Protein change: p.Ala184Val; replaces alanine 184 with valine.
Molecular consequence: missense variant.
Genome position (GRCh38, 1-based): chr5:33,982,247, G>A on the plus strand (C>T on the coding strand, the complement: SLC45A2 is on the minus strand). VCF-style: chr5-33982247-G-A. GRCh37 (hg19) VCF-style: chr5-33982352-G-A.
Other names: c.551C>T, p.Ala184Val (NM_001012509.4, NM_001297417.4); short protein forms A184V.
Identifiers: ClinVar variation 1440995 (VCV001440995.6), dbSNP rs771511775, ClinGen allele CA359396297.

ClinVar aggregate classification (germline): Uncertain significance (1 of 4 stars; one submission).

Submission:

Labcorp Genetics (formerly Invitae), Labcorp
Classification: Uncertain significance. Last evaluated: 2021-10-13. Review status: criteria provided, single submitter. Criteria: Invitae Variant Classification Sherloc (09022015). Collection method: clinical testing. Allele origin: germline.
Comment: This sequence change replaces alanine with valine at codon 184 of the SLC45A2 protein (p.Ala184Val). The alanine residue is highly conserved and there is a small physicochemical difference between alanine and valine. This variant is not present in population databases (ExAC no frequency). This missense change has been observed in individual(s) with oculocutaneous albinism (PMID: 21458243). Algorithms developed to predict the effect of missense changes on protein structure and function are either unavailable or do not agree on the potential impact of this missense change (SIFT: "Deleterious"; PolyPhen-2: "Probably Damaging"; Align-GVGD: "Class C0"). In summary, the available evidence is currently insufficient to determine the role of this variant in disease. Therefore, it has been classified as a Variant of Uncertain Significance.

Literature cited by the submitters: PubMed 21458243.